The following is an entry in ClinVar:

ClinVar aggregate classification (germline): Benign (1 of 4 stars; one submission).

Conditions:
Autosomal recessive congenital ichthyosis 10 (ARCI10). Identifiers: Orphanet 79394, MedGen C3554355, MONDO:0014011, OMIM 615024.

Allele frequency attached by ClinVar (database versions not stated): gnomAD exomes 0.06410; gnomAD 0.08088 and 0.08644; TOPMed 0.09906; 1000 Genomes Project 30x 0.15756; 1000 Genomes Project 0.15994.

Submission:

Illumina Laboratory Services, Illumina
Classification: Benign for Autosomal recessive congenital ichthyosis 10. Last evaluated: 2018-01-12. Review status: criteria provided, single submitter. Criteria: ICSL Variant Classification Criteria 13 December 2019. Collection method: clinical testing. Allele origin: germline.
Comment: This variant was observed in the ICSL laboratory as part of a predisposition screen in an ostensibly healthy population. It had not been previously curated by ICSL or reported in the Human Gene Mutation Database (HGMD: prior to June 1st, 2018), and was therefore a candidate for classification through an automated scoring system. Utilizing variant allele frequency, disease prevalence and penetrance estimates, and inheritance mode, an automated score was calculated to assess if this variant is too frequent to cause the disease. Based on the score and internal cut-off values, a variant classified as benign is not then subjected to further curation. The score for this variant resulted in a classification of benign for this disease.

NM_001374623.1(PNPLA1):c.1595+653G>A

Gene: PNPLA1 (patatin like domain 1, omega-hydroxyceramide transacylase; plus strand). Cytogenetic location: 6p21.31.
Variant type: single nucleotide variant.
Coding change: c.1595+653G>A on transcript NM_001374623.1 (MANE Select); 653 bases into the intron after coding-DNA position 1595, G replaced by A.
Molecular consequence: intron variant. On other transcripts: 3 prime UTR variant (3).
Genome position (GRCh38, 1-based): chr6:36,308,365, G>A. VCF-style: chr6-36308365-G-A. GRCh37 (hg19) VCF-style: chr6-36276142-G-A.
Other names: c.*649G>A (NM_001145717.1, NM_001145716.2, NM_173676.2).
Identifiers: ClinVar variation 356586 (VCV000356586.5), dbSNP rs4713957, ClinGen allele CA10626584.